The following is an entry in ClinVar:

ClinVar aggregate classification (germline): Uncertain significance. Review status: criteria provided, multiple submitters, no conflicts (2 of 4 stars). 2 submissions from 2 submitters: Uncertain significance (2). Last evaluated 2025-04-01.

Allele frequency attached by ClinVar (database versions not stated): ExAC 0.00002; gnomAD exomes 0.00002 and 0.00003; TOPMed 0.00002; gnomAD 0.00004 and 0.00005; 1000 Genomes Project 30x 0.00016.

Submissions (2):

Ambry Genetics
Classification: Uncertain significance. Last evaluated: 2025-04-01. Review status: criteria provided, single submitter. Criteria: Ambry Variant Classification Scheme 2023. Collection method: clinical testing. Allele origin: germline.

Labcorp Genetics (formerly Invitae), Labcorp
Classification: Uncertain significance. Last evaluated: 2025-03-31. Review status: criteria provided, single submitter. Criteria: Invitae Variant Classification Sherloc (09022015). Collection method: clinical testing. Allele origin: germline.
Comment: This sequence change replaces arginine, which is basic and polar, with glutamine, which is neutral and polar, at codon 106 of the ASRGL1 protein (p.Arg106Gln). This variant is present in population databases (rs780890144, gnomAD 0.008%). This variant has not been reported in the literature in individuals affected with ASRGL1-related conditions. ClinVar contains an entry for this variant (Variation ID: 1511454). An algorithm developed to predict the effect of missense changes on protein structure and function (PolyPhen-2) suggests that this variant is likely to be disruptive. In summary, the available evidence is currently insufficient to determine the role of this variant in disease. Therefore, it has been classified as a Variant of Uncertain Significance.

NM_001083926.2(ASRGL1):c.317G>A (p.Arg106Gln)

Gene: ASRGL1 (asparaginase and isoaspartyl peptidase 1; plus strand). Cytogenetic location: 11q12.3.
Variant type: single nucleotide variant.
Coding change: c.317G>A on transcript NM_001083926.2 (MANE Select); coding-DNA position 317, G replaced by A.
Protein change: p.Arg106Gln; replaces arginine 106 with glutamine.
Molecular consequence: missense variant.
Genome position (GRCh38, 1-based): chr11:62,356,451, G>A. VCF-style: chr11-62356451-G-A. GRCh37 (hg19) VCF-style: chr11-62123923-G-A.
Other names: c.317G>A (NM_001083926.1); c.317G>A, p.Arg106Gln (NM_025080.4); short protein forms R106Q.
Identifiers: ClinVar variation 1511454 (VCV001511454.7), dbSNP rs780890144, ClinGen allele CA6043146.